The following is an entry in ClinVar:

NM_007055.4(POLR3A):c.3392A>G (p.Lys1131Arg)

Gene: POLR3A (RNA polymerase III subunit A; minus strand). Cytogenetic location: 10q22.3.
Variant type: single nucleotide variant.
Coding change: c.3392A>G on transcript NM_007055.4 (MANE Select); coding-DNA position 3392, A replaced by G.
Protein change: p.Lys1131Arg; replaces lysine 1131 with arginine.
Molecular consequence: missense variant.
Genome position (GRCh38, 1-based): chr10:77,983,957, T>C on the plus strand (A>G on the coding strand, the complement: POLR3A is on the minus strand). VCF-style: chr10-77983957-T-C. GRCh37 (hg19) VCF-style: chr10-79743715-T-C.
Other names: NM_007055.4(POLR3A):c.3392A>G; p.Lys1131Arg; short protein forms K1131R.
Identifiers: ClinVar variation 549572 (VCV000549572.12), dbSNP rs138305578, ClinGen allele CA5570846.

ClinVar aggregate classification (germline): Conflicting classifications of pathogenicity. Review status: criteria provided, conflicting classifications (1 of 4 stars). 6 submissions from 6 submitters: Likely pathogenic (2); Uncertain significance (4). Last evaluated 2026-03-30.

Conditions:
POLR3A-related disorder. Also called: POLR3A-related disorders; POLR3A-related condition. Identifiers: MedGen CN378587, MONDO:0700276.
Neonatal pseudo-hydrocephalic progeroid syndrome. Also called: Wiedemann-Rautenstrauch syndrome. Identifiers: Orphanet 3455, MedGen C0406586, MONDO:0009910, OMIM 264090.
Leukodystrophy. Identifiers: Orphanet 68356, MedGen C0023520, MONDO:0019046, HP:0002415.

Allele frequency attached by ClinVar (database versions not stated): gnomAD exomes 0.00001 and 0.00003; ExAC 0.00003; gnomAD 0.00006; TOPMed 0.00009; ESP Exome Variant Server 0.00023.
gnomAD v4.1: 17 of 1,612,722 alleles (0.0011%); highest among the groups gnomAD compares: African/African-American, 0.023%; no homozygotes.

Submissions (6):

Dasa
Classification: Uncertain significance. Last evaluated: 2026-03-30. Review status: criteria provided, single submitter. Criteria: DASA Assertion Criteria. Collection method: clinical testing. Allele origin: germline.
Comment: NM_007055.4(POLR3A):c.3392A>G (p.Lys1131Arg) is a missense variant that results in the substitution of lysine with arginine. This variant has been reported in individuals with POLR3A-related disorders (PMID: 30323018). Also, this variant is rare in population databases. The currently available literature and clinical evidence are not sufficient to establish a definitive association between this variant and the reported condition. Therefore, this variant is classified as a variant of uncertain significance.

Broad Center for Mendelian Genomics, Broad Institute of MIT and Harvard
Classification: Uncertain significance for Leukodystrophy. Last evaluated: 2024-01-24. Review status: criteria provided, single submitter. Criteria: ACMG Guidelines, 2015. Collection method: curation. Allele origin: germline. Inheritance: Autosomal recessive inheritance.
Comment: The p.Lys1131Arg variant in POLR3A has been reported in 2 individuals with POLR3A-related disorders (PMID: 30323018, Yananoto et al. 2017), and has been identified in 0.05% (13/24956) of African chromosomes by the Genome Aggregation Database (gnomAD; dbSNP ID: rs138305578). Although this variant has been seen in the general population in a heterozygous state, its frequency is not high enough to rule out a pathogenic role. This Lys1131Arg variant has also been reported in ClinVar (Variation ID#: 549572) and has been interpreted as likely pathogenic by the Tartaglia Lab (Genetics and Rare Diseases Research Division, Bambino Gesu' Children's Hospital) and as a variant of uncertain significance by Invitae. Of the 2 affected individuals, 1 was a compound heterozygote that carried a likely pathogenic variant in trans, which increases the likelihood that the p.Lys1131Arg variant is pathogenic (PMID: 30323018). Computational prediction tools and conservation analyses suggest that this variant may impact the protein, though this information is not predictive enough to determine pathogenicity. The p.Lys1131Arg variant is located in a region of POLR3A that is essential to protein folding and stability, suggesting that this variant is in a functional domain and slightly supports pathogenicity (PMID: 30323018). In summary, while there is some suspicion for a pathogenic role, the clinical significance of this variant is uncertain. ACMG/AMP Criteria applied: PP3, PM3, PM1_supporting (Richards 2015).

Labcorp Genetics (formerly Invitae), Labcorp
Classification: Uncertain significance. Last evaluated: 2022-08-31. Review status: criteria provided, single submitter. Criteria: Invitae Variant Classification Sherloc (09022015). Collection method: clinical testing. Allele origin: germline.
Comment: In summary, the available evidence is currently insufficient to determine the role of this variant in disease. Therefore, it has been classified as a Variant of Uncertain Significance. Algorithms developed to predict the effect of sequence changes on RNA splicing suggest that this variant may create or strengthen a splice site. Algorithms developed to predict the effect of missense changes on protein structure and function (SIFT, PolyPhen-2, Align-GVGD) all suggest that this variant is likely to be tolerated. ClinVar contains an entry for this variant (Variation ID: 549572). This missense change has been observed in individual(s) with Wiedemann-Rautenstrauch syndrome (PMID: 30323018). In at least one individual the data is consistent with being in trans (on the opposite chromosome) from a pathogenic variant. This variant is present in population databases (rs138305578, gnomAD 0.03%). This sequence change replaces lysine, which is basic and polar, with arginine, which is basic and polar, at codon 1131 of the POLR3A protein (p.Lys1131Arg).

Blueprint Genetics
Classification: Likely pathogenic for POLR3A-related disorders. Last evaluated: 2022-07-08. Review status: criteria provided, single submitter. Criteria: ACMG Guidelines, 2015. Collection method: clinical testing. Allele origin: germline. Affected: yes. Observed: 2 variant alleles.

Revvity Omics, Revvity
Classification: Uncertain significance. Last evaluated: 2021-08-16. Review status: criteria provided, single submitter. Criteria: ACMG Guidelines, 2015. Collection method: clinical testing. Allele origin: germline.

Tartaglia Lab, Genetics and Rare Diseases Research Division, Bambino Gesu' Children's Hospital
Classification: Likely pathogenic for Neonatal pseudo-hydrocephalic progeroid syndrome. Last evaluated: 2018-05-01. Review status: criteria provided, single submitter. Criteria: ACMG Guidelines, 2015. Collection method: research. Allele origin: germline. Affected: yes.

Literature cited by the submitters: PubMed 30323018 (cited by Dasa and Labcorp Genetics (formerly Invitae), Labcorp).